The following is an entry in ClinVar:

ClinVar aggregate classification (germline): Likely benign (1 of 4 stars; one submission).

Allele frequency attached by ClinVar (database versions not stated): ExAC 0.00003; gnomAD exomes 0.00001.
gnomAD v4.1: 11 of 1,590,040 alleles (0.00069%); highest among the groups gnomAD compares: Non-Finnish European, 0.00094%; no homozygotes.

Submission:

GeneDx
Classification: Likely benign. Last evaluated: 2018-02-22. Review status: criteria provided, single submitter. Criteria: GeneDx Variant Classification (06012015). Collection method: clinical testing. Allele origin: germline. Affected: yes.
Comment: This variant is considered likely benign or benign based on one or more of the following criteria: it is a conservative change, it occurs at a poorly conserved position in the protein, it is predicted to be benign by multiple in silico algorithms, and/or has population frequency not consistent with disease.

NM_172107.4(KCNQ2):c.1164G>A (p.Leu388=)

Gene: KCNQ2 (potassium voltage-gated channel subfamily Q member 2; minus strand). Cytogenetic location: 20q13.33.
Variant type: single nucleotide variant.
Coding change: c.1164G>A on transcript NM_172107.4 (MANE Select); coding-DNA position 1164, G replaced by A.
Protein change: p.Leu388=; no amino-acid change (leucine 388 retained).
Molecular consequence: synonymous variant.
Genome position (GRCh38, 1-based): chr20:63,428,420, C>T on the plus strand (G>A on the coding strand, the complement: KCNQ2 is on the minus strand). VCF-style: chr20-63428420-C-T. GRCh37 (hg19) VCF-style: chr20-62059773-C-T.
Other names: c.1134G>A, p.Leu378= (NM_004518.6); c.1164G>A, p.Leu388= (NM_172106.3, NM_172108.5).
Identifiers: ClinVar variation 515512 (VCV000515512.1), dbSNP rs757288108, ClinGen allele CA9958576.